The following is an entry in ClinVar:

NM_007294.4(BRCA1):c.4487C>G (p.Ser1496Ter)

Gene: BRCA1 (BRCA1 DNA repair associated; minus strand). Cytogenetic location: 17q21.31.
Variant type: single nucleotide variant.
Coding change: c.4487C>G on transcript NM_007294.4 (MANE Select); coding-DNA position 4487, C replaced by G.
Protein change: p.Ser1496Ter; replaces serine 1496 with a stop codon.
Molecular consequence: nonsense. On other transcripts: non-coding transcript variant (1).
Genome position (GRCh38, 1-based): chr17:43,074,519, G>C on the plus strand (C>G on the coding strand, the complement: BRCA1 is on the minus strand). VCF-style: chr17-43074519-G-C. GRCh37 (hg19) VCF-style: chr17-41226536-G-C.
Other names: c.4484C>G, p.Ser1495Ter (NM_001407612.1, NM_001407613.1, NM_001407614.1 and 17 more transcripts); c.4481C>G, p.Ser1494Ter (NM_001407631.1, NM_001407632.1, NM_001407633.1 and 14 more transcripts); c.4409C>G, p.Ser1470Ter (NM_001407653.1, NM_001407654.1, NM_001407655.1); c.4406C>G, p.Ser1469Ter (NM_001407656.1, NM_001407657.1, NM_001407658.1); c.4403C>G, p.Ser1468Ter (NM_001407659.1, NM_001407660.1, NM_001407661.1 and 2 more transcripts); c.4274C>G, p.Ser1425Ter (NM_001407904.1, NM_001407906.1, NM_001407907.1 and 12 more transcripts); c.4271C>G, p.Ser1424Ter (NM_001407915.1, NM_001407916.1, NM_001407917.1 and 1 more transcripts); c.1031C>G, p.Ser344Ter (NM_001408470.1, NM_001408468.1, NM_001408469.1); and 68 more; short protein forms S1496*, S1517*, S1449*, S392*, S1199*, S1367*, S1368*, S1369*.
Identifiers: ClinVar variation 55216 (VCV000055216.4), dbSNP rs80356953, ClinGen allele CA002884.

ClinVar aggregate classification (germline): Pathogenic. Review status: reviewed by expert panel (3 of 4 stars). 4 submissions from 4 submitters: Pathogenic (1). 3 of the submissions do not count toward it. Last evaluated 2016-09-08.

Conditions:
Breast and/or ovarian cancer. Identifiers: MedGen CN221562.
Hereditary breast ovarian cancer syndrome. Also called: BRCA1- and BRCA2-Associated Hereditary Breast and Ovarian Cancer; Hereditary breast and ovarian cancer syndrome; Hereditary breast and ovarian cancer syndrome (HBOC); Breast and ovarian cancer; Hereditary breast and/or ovarian cancer syndrome; Hereditary breast and ovarian cancer. Identifiers: Orphanet 145, MedGen C0677776, MeSH D061325, MONDO:0003582. Disease mechanism: loss of function.
Breast-ovarian cancer, familial, susceptibility to, 1 (BROVCA1). Also called: BRCA1 Hereditary Breast and Ovarian Cancer; OVARIAN CANCER, SUSCEPTIBILITY TO. Identifiers: Orphanet 145, MedGen C2676676, MONDO:0011450, OMIM 604370. Disease mechanism: loss of function.

Submissions (4):

Evidence-based Network for the Interpretation of Germline Mutant Alleles (ENIGMA)
Classification: Pathogenic for Breast-ovarian cancer, familial, susceptibility to, 1. Last evaluated: 2016-09-08. Review status: reviewed by expert panel. Criteria: ENIGMA BRCA1/2 Classification Criteria (2015). Collection method: curation. Allele origin: germline.
Comment: Variant allele predicted to encode a truncated non-functional protein.

Research Molecular Genetics Laboratory, Women's College Hospital, University of Toronto
Classification: Pathogenic for Hereditary breast ovarian cancer syndrome. Last evaluated: 2014-01-31. Review status: no assertion criteria provided. Collection method: research. Allele origin: germline. Affected: yes. Study: The Canadian Open Genetics Repository (COGR). Not counted in ClinVar's aggregate classification.

Breast Cancer Information Core (BIC) (BRCA1)
Classification: Pathogenic for Breast-ovarian cancer, familial 1. Last evaluated: 2002-05-29. Review status: no assertion criteria provided. Collection method: clinical testing. Allele origin: germline. Affected: yes. Observed: 2 variant alleles. Not counted in ClinVar's aggregate classification.

Foulkes Cancer Genetics LDI, Lady Davis Institute for Medical Research
Classification: Pathogenic for Breast and/or ovarian cancer. Last evaluated: 2000-11-17. Review status: no assertion criteria provided. Collection method: clinical testing. Allele origin: germline. Study: The Canadian Open Genetics Repository (COGR). Not counted in ClinVar's aggregate classification.